The following is an entry in ClinVar:

NM_014396.4(VPS41):c.1836C>A (p.Tyr612Ter)

Gene: VPS41 (VPS41 subunit of HOPS complex; minus strand). Cytogenetic location: 7p14.1.
Variant type: single nucleotide variant.
Coding change: c.1836C>A on transcript NM_014396.4 (MANE Select); coding-DNA position 1836, C replaced by A.
Protein change: p.Tyr612Ter; replaces tyrosine 612 with a stop codon.
Molecular consequence: nonsense.
Genome position (GRCh38, 1-based): chr7:38,752,266, G>T on the plus strand (C>A on the coding strand, the complement: VPS41 is on the minus strand). VCF-style: chr7-38752266-G-T. GRCh37 (hg19) VCF-style: chr7-38791866-G-T.
Other names: c.1761C>A, p.Tyr587Ter (NM_080631.4); short protein forms Y587*, Y612*.
Identifiers: ClinVar variation 4845792 (VCV004845792.1).

ClinVar aggregate classification (germline): Likely pathogenic (1 of 4 stars; one submission).

Conditions:
Spinocerebellar ataxia, autosomal recessive 29. Also called: BARAKAT-VAN HAM-KAYA SYNDROME; NEURODEVELOPMENTAL DISORDER WITH HYPOTONIA AND CEREBELLAR ATAXIA. Identifiers: MedGen C5543595, MONDO:0030312, OMIM 619389.

gnomAD v4.1: 3 of 1,613,884 alleles (0.00019%); highest among the groups gnomAD compares: South Asian, 0.0033%; no homozygotes.

Submission:

First Genomix Gene Laboratory, Genetic Diagnostics Department
Classification: Likely pathogenic for Spinocerebellar ataxia, autosomal recessive 29. Last evaluated: 2025-03-21. Review status: criteria provided, single submitter. Criteria: ACMG Guidelines, 2015. Collection method: clinical testing. Allele origin: germline. Inheritance: Autosomal recessive inheritance. Affected: no. Observed: 1 variant allele.